The following is an entry in ClinVar:

NM_058179.4(PSAT1):c.955dup (p.Arg319fs)

Gene: PSAT1 (phosphoserine aminotransferase 1; plus strand). Cytogenetic location: 9q21.2.
Variant type: Duplication.
Coding change: c.955dup on transcript NM_058179.4 (MANE Select); coding-DNA position 955, one base duplicated (A; older notation c.955dupA).
Protein change: p.Arg319fs; shifts the reading frame from arginine 319.
Molecular consequence: frameshift variant. On other transcripts: intron variant (1).
Genome position (GRCh38, 1-based): chr9:78,328,136, A duplicated; the last of 6 consecutive A bases (chr9:78,328,131-78,328,136); duplicating any one gives the same sequence. VCF-style (leftmost placement, unchanged base first): chr9-78328130-G-GA. GRCh37 (hg19) VCF-style: chr9-80943046-G-GA.
Other names: c.870-845dup (NM_021154.5); short protein forms R319fs.
Identifiers: ClinVar variation 976479 (VCV000976479.1), dbSNP rs916968001, ClinGen allele CA645557930.
Genomic context (GRCh38, chr9:78,328,130, plus strand): 5'-AATAGAAGCAAGATGAATATTCCATTCCGCATTGGCAATGCCAAAGGAGATGATGCTTTA[G>GA]AAAAAAGATTTCTTGATAAAGCTCTTGAACTCAATATGTTGTCCTTGAAAGGGCATAGGT-3'

ClinVar aggregate classification (germline): Uncertain significance (0 of 4 stars; one submission).

Conditions:
PSAT deficiency. Identifiers: Orphanet 284417, MedGen C1970253, MONDO:0012596, OMIM 610992.
Neu-Laxova syndrome 2. Identifiers: Orphanet 2671, Orphanet 583602, MedGen C4015019, MONDO:0014466, OMIM 616038.

Submission:

Clinical Genomics Laboratory, Stanford Medicine
Classification: Uncertain significance for PSAT deficiency; Neu-Laxova syndrome 2. Last evaluated: 2019-11-21. Review status: no assertion criteria provided. Collection method: clinical testing. Allele origin: germline. Inheritance: Autosomal recessive inheritance. Affected: yes.
Comment: The p.Arg319Lysfs*4 variant in the PSAT1 gene has not been previously reported in association with disease and was absent from large population databases, including the Genome Aggregation Database. This variant results in a 1 base pair insertion, which causes a shift in the protein reading frame, leading to a premature termination codon 4 amino acids downstream. This premature termination codon is within the last 50 base pairs of the of penultimate exon of PSAT1 and is not predicted to undergo nonsense-mediated decay. These data were assessed using the ACMG/AMP variant interpretation guidelines. In summary, the significance of the p.Arg319Lysfs*4 variant is uncertain. Additional information is needed to resolve the significance of this variant. [ACMG evidence codes used: PM2; PM4]